The following is an entry in ClinVar:

ClinVar aggregate classification (germline): Conflicting classifications of pathogenicity. Review status: criteria provided, conflicting classifications (1 of 4 stars). 4 submissions from 4 submitters: Uncertain significance (3); Likely benign (1). Last evaluated 2025-03-20.

Conditions:
Shprintzen-Goldberg syndrome (SGS). Also called: CRANIOSYNOSTOSIS WITH ARACHNODACTYLY AND ABDOMINAL HERNIAS; Marfanoid disorder with craniosynostosis type 1; Marfanoid craniosynostosis syndrome; Shprintzen-Goldberg marfanoid syndrome; SHPRINTZEN-GOLDBERG CRANIOSYNOSTOSIS SYNDROME. Identifiers: Orphanet 2462, MedGen C1321551, MONDO:0008426, OMIM 182212.
Intellectual disability. Also called: Intellectual developmental disorder; Intellectual functioning disability; intellectual disabilities. Identifiers: MedGen C3714756, MeSH D008607, MONDO:0001071, HP:0001249.
Familial thoracic aortic aneurysm and aortic dissection (TAAD). Also called: Thoracic aortic aneurysms and dissections. Identifiers: Orphanet 91387, MedGen C4707243, MONDO:0019625.

Allele frequency attached by ClinVar (database versions not stated): gnomAD exomes 0.00001 and 0.00002.
gnomAD v4.1: 32 of 1,543,446 alleles (0.0021%); highest among the groups gnomAD compares: Non-Finnish European, 0.0028%; no homozygotes.

Submissions (4):

Labcorp Genetics (formerly Invitae), Labcorp
Classification: Uncertain significance for Shprintzen-Goldberg syndrome. Last evaluated: 2025-03-20. Review status: criteria provided, single submitter. Criteria: Invitae Variant Classification Sherloc (09022015). Collection method: clinical testing. Allele origin: germline.
Comment: This sequence change replaces valine, which is neutral and non-polar, with methionine, which is neutral and non-polar, at codon 672 of the SKI protein (p.Val672Met). The frequency data for this variant in the population databases is considered unreliable, as metrics indicate poor data quality at this position in the gnomAD database. This variant has not been reported in the literature in individuals affected with SKI-related conditions. ClinVar contains an entry for this variant (Variation ID: 572553). Invitae Evidence Modeling of protein sequence and biophysical properties (such as structural, functional, and spatial information, amino acid conservation, physicochemical variation, residue mobility, and thermodynamic stability) indicates that this missense variant is not expected to disrupt SKI protein function with a negative predictive value of 95%. In summary, the available evidence is currently insufficient to determine the role of this variant in disease. Therefore, it has been classified as a Variant of Uncertain Significance.

Ambry Genetics
Classification: Uncertain significance for Familial thoracic aortic aneurysm and aortic dissection. Last evaluated: 2024-03-04. Review status: criteria provided, single submitter. Criteria: Ambry Variant Classification Scheme 2023. Collection method: clinical testing. Allele origin: germline.
Comment: The p.V672M variant (also known as c.2014G>A), located in coding exon 7 of the SKI gene, results from a G to A substitution at nucleotide position 2014. The valine at codon 672 is replaced by methionine, an amino acid with highly similar properties. This amino acid position is conserved. In addition, this alteration is predicted to be tolerated by in silico analysis. Based on the available evidence, the clinical significance of this alteration remains unclear.

GeneDx
Classification: Uncertain significance. Last evaluated: 2023-04-21. Review status: criteria provided, single submitter. Criteria: GeneDx Variant Classification Process June 2021. Collection method: clinical testing. Allele origin: germline. Affected: yes.
Comment: Has not been previously published as pathogenic or benign to our knowledge; In silico analysis supports that this missense variant does not alter protein structure/function

Cambridge Genomics Laboratory, East Genomic Laboratory Hub, NHS Genomic Medicine Service
Classification: Likely benign for Intellectual disability. Last evaluated: 2020-03-30. Review status: criteria provided, single submitter. Criteria: ACGS Best Practice Guidelines for Variant Classification in Rare Disease 2020. Collection method: clinical testing. Allele origin: germline. Affected: yes. Observed: 1 variant allele.

NM_003036.4(SKI):c.2014G>A (p.Val672Met)

Gene: SKI (SKI proto-oncogene; plus strand). Cytogenetic location: 1p36.32.
Variant type: single nucleotide variant.
Coding change: c.2014G>A on transcript NM_003036.4 (MANE Select); coding-DNA position 2014, G replaced by A.
Protein change: p.Val672Met; replaces valine 672 with methionine.
Molecular consequence: missense variant.
Genome position (GRCh38, 1-based): chr1:2,306,592, G>A. VCF-style: chr1-2306592-G-A. GRCh37 (hg19) VCF-style: chr1-2238031-G-A.
Other names: short protein forms V672M.
Identifiers: ClinVar variation 572553 (VCV000572553.10), dbSNP rs1339249855, ClinGen allele CA337959537.